The following is an entry in ClinVar:

NM_013275.6(ANKRD11):c.6968C>T (p.Ala2323Val)

Gene: ANKRD11 (ankyrin repeat domain 11; minus strand). Cytogenetic location: 16q24.3.
Variant type: single nucleotide variant.
Coding change: c.6968C>T on transcript NM_013275.6 (MANE Select); coding-DNA position 6968, C replaced by T.
Protein change: p.Ala2323Val; replaces alanine 2323 with valine.
Molecular consequence: missense variant.
Genome position (GRCh38, 1-based): chr16:89,279,574, G>A on the plus strand (C>T on the coding strand, the complement: ANKRD11 is on the minus strand). VCF-style: chr16-89279574-G-A. GRCh37 (hg19) VCF-style: chr16-89345982-G-A.
Other names: c.6968C>T, p.Ala2323Val (NM_001256182.2, NM_001256183.2); short protein forms A2323V.
Identifiers: ClinVar variation 3055127 (VCV003055127.4), dbSNP rs1422020223, ClinGen allele CA397149608.

ClinVar aggregate classification (germline): Uncertain significance. Review status: criteria provided, single submitter (1 of 4 stars). 2 submissions from 2 submitters: Uncertain significance (1). 1 of the submissions does not count toward it. Last evaluated 2026-02-20.

Conditions:
ANKRD11-related disorder. Also called: ANKRD11-related condition.

Allele frequency attached by ClinVar (database versions not stated): TOPMed below 0.00001.

Submissions (2):

Dasa
Classification: Uncertain significance. Last evaluated: 2026-02-20. Review status: criteria provided, single submitter. Criteria: DASA Assertion Criteria. Collection method: clinical testing. Allele origin: germline.
Comment: NM_013275.6(ANKRD11):c.6968C>T (p.Ala2323Val) is a missense variant that results in the substitution of alanine with valine. This variant is absent from population databases. Computational prediction algorithms are consistent with a benign effect. The currently available literature and clinical evidence are not sufficient to establish a definitive association between this variant and the reported condition. Therefore, this variant is classified as a variant of uncertain significance.

PreventionGenetics, part of Exact Sciences
Classification: Uncertain significance for ANKRD11-related condition. Last evaluated: 2023-11-29. Review status: no assertion criteria provided. Collection method: clinical testing. Allele origin: germline. Not counted in ClinVar's aggregate classification.
Comment: The ANKRD11 c.6968C>T variant is predicted to result in the amino acid substitution p.Ala2323Val. To our knowledge, this variant has not been reported in the literature or in a large population database, indicating this variant is rare. At this time, the clinical significance of this variant is uncertain due to the absence of conclusive functional and genetic evidence.